The following is an entry in ClinVar:

ClinVar aggregate classification (germline): Uncertain significance (1 of 4 stars; one submission).

gnomAD v4.1: 1 of 1,609,220 alleles (0.000062%); highest among the groups gnomAD compares: Non-Finnish European, 0.000085%; no homozygotes.

Submission:

GeneDx
Classification: Uncertain significance. Last evaluated: 2023-06-09. Review status: criteria provided, single submitter. Criteria: GeneDx Variant Classification Process June 2021. Collection method: clinical testing. Allele origin: germline. Affected: yes.
Comment: Has not been previously published as pathogenic or benign to our knowledge; Not observed at significant frequency in large population cohorts (gnomAD); In silico analysis supports that this missense variant has a deleterious effect on protein structure/function

NM_000393.5(COL5A2):c.2792C>A (p.Pro931His)

Gene: COL5A2 (collagen type V alpha 2 chain; minus strand). Cytogenetic location: 2q32.2.
Variant type: single nucleotide variant.
Coding change: c.2792C>A on transcript NM_000393.5 (MANE Select); coding-DNA position 2792, C replaced by A.
Protein change: p.Pro931His; replaces proline 931 with histidine.
Molecular consequence: missense variant.
Genome position (GRCh38, 1-based): chr2:189,051,459, G>T on the plus strand (C>A on the coding strand, the complement: COL5A2 is on the minus strand). VCF-style: chr2-189051459-G-T. GRCh37 (hg19) VCF-style: chr2-189916185-G-T.
Other names: short protein forms P931H.
Identifiers: ClinVar variation 3253209 (VCV003253209.1), dbSNP rs1456303136.